The following is an entry in ClinVar:

NM_177972.3(TUB):c.1488G>A (p.Leu496=)

Genes: TUB (TUB bipartite transcription factor; plus strand), RIC3 (RIC3 acetylcholine receptor chaperone; minus strand). Cytogenetic location: 11p15.4.
Variant type: single nucleotide variant.
Coding change: c.1488G>A on transcript NM_177972.3 (MANE Select); coding-DNA position 1488, G replaced by A.
Protein change: p.Leu496=; no amino-acid change (leucine 496 retained).
Molecular consequence: synonymous variant.
Genome position (GRCh38, 1-based): chr11:8,101,586, G>A. VCF-style: chr11-8101586-G-A. GRCh37 (hg19) VCF-style: chr11-8123133-G-A.
Other names: c.1653G>A, p.Leu551= (NM_003320.5).
Identifiers: ClinVar variation 3353971 (VCV003353971.3).

ClinVar aggregate classification (germline): Likely benign. Review status: criteria provided, single submitter (1 of 4 stars). 2 submissions from 2 submitters: Likely benign (1). 1 of the submissions does not count toward it. Last evaluated 2024-11-25.

Conditions:
TUB-related disorder. Also called: TUB-related condition.

gnomAD v4.1: 11 of 1,614,116 alleles (0.00068%); highest among the groups gnomAD compares: African/African-American, 0.0093%; no homozygotes.

Submissions (2):

Labcorp Genetics (formerly Invitae), Labcorp
Classification: Likely benign. Last evaluated: 2024-11-25. Review status: criteria provided, single submitter. Criteria: Invitae Variant Classification Sherloc (09022015). Collection method: clinical testing. Allele origin: germline.

PreventionGenetics, part of Exact Sciences
Classification: Likely benign for TUB-related condition. Last evaluated: 2023-12-15. Review status: no assertion criteria provided. Collection method: clinical testing. Allele origin: germline. Not counted in ClinVar's aggregate classification.
Comment: This variant is classified as likely benign based on ACMG/AMP sequence variant interpretation guidelines (Richards et al. 2015 PMID: 25741868, with internal and published modifications).